The following is an entry in ClinVar:

NM_001256007.3(PNPLA8):c.808A>G (p.Thr270Ala)

Gene: PNPLA8 (patatin like domain 8, phospholipase A2; minus strand). Cytogenetic location: 7q31.1.
Variant type: single nucleotide variant.
Coding change: c.808A>G on transcript NM_001256007.3 (MANE Select); coding-DNA position 808, A replaced by G.
Protein change: p.Thr270Ala; replaces threonine 270 with alanine.
Molecular consequence: missense variant.
Genome position (GRCh38, 1-based): chr7:108,514,684, T>C on the plus strand (A>G on the coding strand, the complement: PNPLA8 is on the minus strand). VCF-style: chr7-108514684-T-C. GRCh37 (hg19) VCF-style: chr7-108155128-T-C.
Other names: p.Thr270Ala; c.808A>G, p.Thr270Ala (NM_001256008.3, NM_001256009.3, NM_015723.5); c.508A>G, p.Thr170Ala (NM_001256010.3, NM_001256011.3); c.808A>G (NM_015723.4); short protein forms T170A, T270A.
Identifiers: ClinVar variation 2045843 (VCV002045843.4), dbSNP rs146415911, ClinGen allele CA4439753.

ClinVar aggregate classification (germline): Uncertain significance. Review status: criteria provided, multiple submitters, no conflicts (2 of 4 stars). 3 submissions from 3 submitters: Uncertain significance (3). Last evaluated 2025-03-15.

Allele frequency attached by ClinVar (database versions not stated): gnomAD 0.00012; ESP Exome Variant Server 0.00031; gnomAD exomes 0.00020; TOPMed 0.00009; ExAC 0.00020.
gnomAD v4.1: 305 of 1,613,924 alleles (0.019%); highest among the groups gnomAD compares: Non-Finnish European, 0.024%; no homozygotes.

Submissions (3):

GeneDx
Classification: Uncertain significance. Last evaluated: 2025-03-15. Review status: criteria provided, single submitter. Criteria: GeneDx Variant Classification Process June 2021. Collection method: clinical testing. Allele origin: germline. Affected: yes.
Comment: In silico analysis indicates that this missense variant does not alter protein structure/function; Has not been previously published as pathogenic or benign to our knowledge

Mayo Clinic Laboratories, Mayo Clinic
Classification: Uncertain significance. Last evaluated: 2024-10-22. Review status: criteria provided, single submitter. Criteria: ACMG Guidelines, 2015. Collection method: clinical testing. Allele origin: germline. Observed: 1 variant allele.
Comment: BP4

Labcorp Genetics (formerly Invitae), Labcorp
Classification: Uncertain significance. Last evaluated: 2023-10-03. Review status: criteria provided, single submitter. Criteria: Invitae Variant Classification Sherloc (09022015). Collection method: clinical testing. Allele origin: germline.
Comment: This sequence change replaces threonine, which is neutral and polar, with alanine, which is neutral and non-polar, at codon 270 of the PNPLA8 protein (p.Thr270Ala). This variant is present in population databases (rs146415911, gnomAD 0.03%). This variant has not been reported in the literature in individuals affected with PNPLA8-related conditions. ClinVar contains an entry for this variant (Variation ID: 2045843). Algorithms developed to predict the effect of missense changes on protein structure and function output the following: SIFT: "Not Available"; PolyPhen-2: "Benign"; Align-GVGD: "Not Available". The alanine amino acid residue is found in multiple mammalian species, which suggests that this missense change does not adversely affect protein function. In summary, the available evidence is currently insufficient to determine the role of this variant in disease. Therefore, it has been classified as a Variant of Uncertain Significance.